The following is an entry in ClinVar:

ClinVar aggregate classification (germline): Uncertain significance (1 of 4 stars; one submission).

Conditions:
Neurodevelopmental disorder with hypotonia, stereotypic hand movements, and impaired language. Also called: Intellectual disability, autosomal dominant 20. Identifiers: Orphanet 228384, Orphanet 664410, MedGen C3150700, MONDO:0013266, OMIM 613443.

Submission:

Labcorp Genetics (formerly Invitae), Labcorp
Classification: Uncertain significance for Neurodevelopmental disorder with hypotonia, stereotypic hand movements, and impaired language. Last evaluated: 2024-08-13. Review status: criteria provided, single submitter. Criteria: Invitae Variant Classification Sherloc (09022015). Collection method: clinical testing. Allele origin: germline.
Comment: This sequence change creates a premature translational stop signal (p.Ser461*) in the MEF2C gene. While this is not anticipated to result in nonsense mediated decay, it is expected to disrupt the last 13 amino acid(s) of the MEF2C protein. This variant is not present in population databases (gnomAD no frequency). This variant has not been reported in the literature in individuals affected with MEF2C-related conditions. ClinVar contains an entry for this variant (Variation ID: 1054046). In summary, the available evidence is currently insufficient to determine the role of this variant in disease. Therefore, it has been classified as a Variant of Uncertain Significance.

NM_002397.5(MEF2C):c.1382C>A (p.Ser461Ter)

Genes: MEF2C (myocyte enhancer factor 2C; minus strand), MEF2C-AS2 (MEF2C antisense RNA 2; plus strand). Cytogenetic location: 5q14.3.
Variant type: single nucleotide variant.
Coding change: c.1382C>A on transcript NM_002397.5 (MANE Select); coding-DNA position 1382, C replaced by A.
Protein change: p.Ser461Ter; replaces serine 461 with a stop codon.
Molecular consequence: nonsense. On other transcripts: non-coding transcript variant (1), 3 prime UTR variant (9).
Genome position (GRCh38, 1-based): chr5:88,722,644, G>T on the plus strand (C>A on the coding strand, the complement: MEF2C is on the minus strand). VCF-style: chr5-88722644-G-T. GRCh37 (hg19) VCF-style: chr5-88018461-G-T.
Other names: c.1352C>A, p.Ser451Ter (NM_001131005.2); c.1412C>A, p.Ser471Ter (NM_001193347.1); c.1214C>A, p.Ser405Ter (NM_001193348.1); c.1142C>A, p.Ser381Ter (NM_001193349.3, NM_001364332.2); c.1382C>A, p.Ser461Ter (NM_001193350.2, NM_001364329.2, NM_001364330.2 and 1 more transcripts); c.1358C>A, p.Ser453Ter (NM_001308002.3, NM_001364333.2); c.1286C>A, p.Ser429Ter (NM_001363581.2, NM_001364334.2, NM_001364335.2 and 2 more transcripts); c.1316C>A, p.Ser439Ter (NM_001364338.2); and 7 more; short protein forms S279*, S303*, S335*, S381*, S405*, S413*, S419*, S421*.
Identifiers: ClinVar variation 1054046 (VCV001054046.9), dbSNP rs2152041454, ClinGen allele CA360421766.
Genomic context (GRCh38, chr5:88,722,644, plus strand): 5'-ACTAGTAAGTAATAATCTGATCATGTTGCCCATCCTTCAGAAAGTCGCATGCGCTTGACT[G>T]AGGGACTTTCCCTTTCGTCCGGCGAAGGTCTGGTGAGTCCAATGGGGGAGTGGAATTCGT-3'